The following is an entry in ClinVar:

ClinVar aggregate classification (germline): Pathogenic (1 of 4 stars; one submission).

Submission:

Labcorp Genetics (formerly Invitae), Labcorp
Classification: Pathogenic. Last evaluated: 2022-12-20. Review status: criteria provided, single submitter. Criteria: Invitae Variant Classification Sherloc (09022015). Collection method: clinical testing. Allele origin: germline.
Comment: For these reasons, this variant has been classified as Pathogenic. This variant has not been reported in the literature in individuals affected with SLC1A4-related conditions. This variant is not present in population databases (gnomAD no frequency). This sequence change creates a premature translational stop signal (p.Leu135*) in the SLC1A4 gene. It is expected to result in an absent or disrupted protein product. Loss-of-function variants in SLC1A4 are known to be pathogenic (PMID: 26041762, 27848944, 30125339).

Literature cited by the submitters: PubMed 26041762; PubMed 27848944; PubMed 30125339.

NM_003038.5(SLC1A4):c.404T>A (p.Leu135Ter)

Gene: SLC1A4 (solute carrier family 1 member 4; plus strand). Cytogenetic location: 2p14.
Variant type: single nucleotide variant.
Coding change: c.404T>A on transcript NM_003038.5 (MANE Select); coding-DNA position 404, T replaced by A.
Protein change: p.Leu135Ter; replaces leucine 135 with a stop codon.
Molecular consequence: nonsense. On other transcripts: intron variant (3).
Genome position (GRCh38, 1-based): chr2:64,990,047, T>A. VCF-style: chr2-64990047-T-A. GRCh37 (hg19) VCF-style: chr2-65217181-T-A.
Other names: c.-134+1427T>A (NM_001348406.2, NM_001193493.2); c.-134+1493T>A (NM_001348407.2); short protein forms L135*.
Identifiers: ClinVar variation 2822746 (VCV002822746.3), dbSNP rs2528510808, ClinGen allele CA347078801.